The following is an entry in ClinVar:

NM_031924.8(RSPH3):c.766C>T (p.Arg256Ter)

Gene: RSPH3 (radial spoke head 3; minus strand). Cytogenetic location: 6q25.3.
Variant type: single nucleotide variant.
Coding change: c.766C>T on transcript NM_031924.8 (MANE Select); coding-DNA position 766, C replaced by T.
Protein change: p.Arg256Ter; replaces arginine 256 with a stop codon.
Molecular consequence: nonsense. On other transcripts: non-coding transcript variant (1).
Genome position (GRCh38, 1-based): chr6:158,980,867, G>A on the plus strand (C>T on the coding strand, the complement: RSPH3 is on the minus strand). VCF-style: chr6-158980867-G-A. GRCh37 (hg19) VCF-style: chr6-159401899-G-A.
Other names: R398*; c.904C>T, p.Arg302Ter (NM_001346418.1); short protein forms R302*, R256*.
Identifiers: ClinVar variation 204500 (VCV000204500.3), dbSNP rs796052118, ClinGen allele CA204023.

ClinVar aggregate classification (germline): Pathogenic. Review status: criteria provided, single submitter (1 of 4 stars). 2 submissions from 2 submitters: Pathogenic (1). 1 of the submissions does not count toward it. Last evaluated 2025-07-21.

Conditions:
Primary ciliary dyskinesia 32. Also called: CILIARY DYSKINESIA, PRIMARY, 32, WITHOUT SITUS INVERSUS. Identifiers: Orphanet 244, MedGen C4225311, MONDO:0014657, OMIM 616481.

Allele frequency attached by ClinVar (database versions not stated): TOPMed 0.00001.

Submissions (2):

3billion
Classification: Pathogenic for Primary ciliary dyskinesia 32. Last evaluated: 2025-07-21. Review status: criteria provided, single submitter. Criteria: ACMG Guidelines, 2015. Collection method: clinical testing. Allele origin: germline. Affected: yes.
Comment: The variant is not observed in the gnomAD v4.1.0 dataset. Predicted Consequence/Location: Stop-gained (nonsense): predicted to result in a loss or disruption of normal protein function through nonsense-mediated decay (NMD) or protein truncation. Multiple pathogenic variants are reported downstream of the variant. The variant has been reported to be associated with RSPH3-related disorder (ClinVar ID: VCV000204500 /PMID: 26073779). Therefore, this variant is classified as Pathogenic according to the recommendation of ACMG/AMP guideline.

OMIM
Classification: Pathogenic for CILIARY DYSKINESIA, PRIMARY, 32. Last evaluated: 2015-07-02. Review status: no assertion criteria provided. Collection method: literature only. Allele origin: germline. Not counted in ClinVar's aggregate classification.

Literature cited by the submitters: PubMed 26073779 (cited by 3billion and OMIM).